The following is an entry in ClinVar:

NM_000138.5(FBN1):c.6692A>G (p.Lys2231Arg)

Gene: FBN1 (fibrillin 1; minus strand). Cytogenetic location: 15q21.1.
Variant type: single nucleotide variant.
Coding change: c.6692A>G on transcript NM_000138.5 (MANE Select); coding-DNA position 6692, A replaced by G.
Protein change: p.Lys2231Arg; replaces lysine 2231 with arginine.
Molecular consequence: missense variant.
Genome position (GRCh38, 1-based): chr15:48,432,913, T>C on the plus strand (A>G on the coding strand, the complement: FBN1 is on the minus strand). VCF-style: chr15-48432913-T-C. GRCh37 (hg19) VCF-style: chr15-48725110-T-C.
Other names: c.6692A>G, p.Lys2231Arg (NM_001406716.1); short protein forms K2231R.
Identifiers: ClinVar variation 3513547 (VCV003513547.1).

ClinVar aggregate classification (germline): Uncertain significance (1 of 4 stars; one submission).

Conditions:
Familial thoracic aortic aneurysm and aortic dissection (TAAD). Also called: Thoracic aortic aneurysms and dissections. Identifiers: Orphanet 91387, MedGen C4707243, MONDO:0019625.

Submission:

Ambry Genetics
Classification: Uncertain significance for Familial thoracic aortic aneurysm and aortic dissection. Last evaluated: 2024-10-15. Review status: criteria provided, single submitter. Criteria: Ambry Variant Classification Scheme 2023. Collection method: clinical testing. Allele origin: germline.
Comment: The p.K2231R variant (also known as c.6692A>G), located in coding exon 54 of the FBN1 gene, results from an A to G substitution at nucleotide position 6692. The lysine at codon 2231 is replaced by arginine, an amino acid with highly similar properties. This amino acid position is well conserved in available vertebrate species. In addition, the in silico prediction for this alteration is inconclusive. Based on the available evidence, the clinical significance of this variant remains unclear.